The following is an entry in ClinVar:

ClinVar aggregate classification (germline): Uncertain significance (1 of 4 stars; one submission).

Submission:

Labcorp Genetics (formerly Invitae), Labcorp
Classification: Uncertain significance. Last evaluated: 2022-09-27. Review status: criteria provided, single submitter. Criteria: Invitae Variant Classification Sherloc (09022015). Collection method: clinical testing. Allele origin: germline.
Comment: Algorithms developed to predict the effect of missense changes on protein structure and function (SIFT, PolyPhen-2, Align-GVGD) all suggest that this variant is likely to be tolerated. This variant has not been reported in the literature in individuals affected with AGBL5-related conditions. This variant is not present in population databases (gnomAD no frequency). This sequence change replaces leucine, which is neutral and non-polar, with serine, which is neutral and polar, at codon 627 of the AGBL5 protein (p.Leu627Ser). In summary, the available evidence is currently insufficient to determine the role of this variant in disease. Therefore, it has been classified as a Variant of Uncertain Significance.

NM_021831.6(AGBL5):c.1880T>C (p.Leu627Ser)

Gene: AGBL5 (AGBL carboxypeptidase 5; plus strand). Cytogenetic location: 2p23.3.
Variant type: single nucleotide variant.
Coding change: c.1880T>C on transcript NM_021831.6 (MANE Select); coding-DNA position 1880, T replaced by C.
Protein change: p.Leu627Ser; replaces leucine 627 with serine.
Molecular consequence: missense variant. On other transcripts: non-coding transcript variant (2).
Genome position (GRCh38, 1-based): chr2:27,059,195, T>C. VCF-style: chr2-27059195-T-C. GRCh37 (hg19) VCF-style: chr2-27282063-T-C.
Other names: c.1880T>C, p.Leu627Ser (NM_001035506.1, NM_001035507.3); short protein forms L627S.
Identifiers: ClinVar variation 2049784 (VCV002049784.4), dbSNP rs1668582763, ClinGen allele CA346187251.